The following is an entry in ClinVar:

ClinVar aggregate classification (germline): Uncertain significance (1 of 4 stars; one submission).

Submission:

GeneDx
Classification: Uncertain significance. Last evaluated: 2026-03-02. Review status: criteria provided, single submitter. Criteria: GeneDx Variant Classification Process June 2021. Collection method: clinical testing. Allele origin: germline.
Comment: Not observed at significant frequency in large population cohorts (gnomAD); In silico analysis supports that this missense variant has a deleterious effect on protein structure/function; Has not been previously published as pathogenic or benign to our knowledge

NM_001321571.2(CAMK2D):c.637C>T (p.Pro213Ser)

Gene: CAMK2D (calcium/calmodulin dependent protein kinase II delta; minus strand). Cytogenetic location: 4q26.
Variant type: single nucleotide variant.
Coding change: c.637C>T on transcript NM_001321571.2 (MANE Select); coding-DNA position 637, C replaced by T.
Protein change: p.Pro213Ser; replaces proline 213 with serine.
Molecular consequence: missense variant.
Genome position (GRCh38, 1-based): chr4:113,517,622, G>A on the plus strand (C>T on the coding strand, the complement: CAMK2D is on the minus strand). VCF-style: chr4-113517622-G-A. GRCh37 (hg19) VCF-style: chr4-114438778-G-A.
Other names: c.637C>T, p.Pro213Ser (NM_001221.4, NM_001321566.2, NM_001321567.2 and 33 more transcripts); c.49C>T, p.Pro17Ser (NM_001321578.2, NM_001321585.2, NM_001399865.1); c.520C>T, p.Pro174Ser (NM_001321581.2, NM_001399859.1, NM_001399860.1 and 2 more transcripts); c.250C>T, p.Pro84Ser (NM_001399863.1, NM_001399864.1); short protein forms P17S, P84S, P213S, P174S.
Identifiers: ClinVar variation 5008254 (VCV005008254.1).